The following is an entry in ClinVar:

ClinVar aggregate classification (germline): Likely pathogenic (1 of 4 stars; one submission).

Conditions:
Hereditary spherocytosis type 3. Also called: Spherocytosis type 3; SPTA1-Related Spherocytosis. Identifiers: Orphanet 822, MedGen C2678338, MONDO:0010053, OMIM 270970.
Pyropoikilocytosis, hereditary. Also called: Pyropoikilocytosis. Identifiers: MedGen C0520739, MONDO:0009948, OMIM 266140, HP:0004839. Disease mechanism: loss of function.

Submission:

Molecular Genetics Department, Kulakov National Medical Research Center for Obstetrics, Gynecology and Perinatology
Classification: Likely pathogenic for Pyropoikilocytosis, hereditary; Hereditary spherocytosis type 3. Review status: criteria provided, single submitter. Criteria: ACMG Guidelines, 2015. Collection method: clinical testing. Allele origin: germline. Affected: yes.
Comment: A previously undescribed nucleotide variant creates a frameshift p.Ala2111ProfsTer2 in the SPTA1 gene. Homozygous and compound heterozygous variants are reported in patients with Pyropoikilocytosis, 266140, Spherocytosis, type 3, 270970. The variant is not present in population database (gnomAD no frequency). In summary, the currently available evidence indicates that the variant is pathogenic, but additional data are needed to prove that conclusively. Therefore, this variant has been classified as likely pathogenic.

NM_003126.4(SPTA1):c.6331del (p.Ala2111fs)

Gene: SPTA1 (spectrin alpha, erythrocytic 1; minus strand). Cytogenetic location: 1q23.1.
Variant type: Deletion.
Coding change: c.6331del on transcript NM_003126.4 (MANE Select); coding-DNA position 6331, one base deleted (G; older notation c.6331delG).
Protein change: p.Ala2111fs; shifts the reading frame from alanine 2111.
Molecular consequence: frameshift variant.
Genome position (GRCh38, 1-based): chr1:158,620,256, C deleted on the plus strand (G on the coding strand, the reverse complement: SPTA1 is on the minus strand); the first of 2 consecutive C bases (chr1:158,620,256-158,620,257); deleting either gives the same sequence. VCF-style (leftmost placement, unchanged base first): chr1-158620255-GC-G. GRCh37 (hg19) VCF-style: chr1-158590045-GC-G.
Other names: short protein forms A2111fs.
Identifiers: ClinVar variation 3062300 (VCV003062300.1), dbSNP rs2526221510, ClinGen allele CA2740090260.